The following is an entry in ClinVar:

NC_000022.11:g.(?_41154975)_(41164150_?)del

Gene: EP300 (EP300 lysine acetyltransferase; plus strand). Cytogenetic location: 22q13.2.
Variant type: Deletion.
Identifiers: ClinVar variation 655763 (VCV000655763.8).

ClinVar aggregate classification (germline): Pathogenic. Review status: criteria provided, single submitter (1 of 4 stars). 2 submissions from 1 submitter: Pathogenic (2). Last evaluated 2018-11-08.

Conditions:
Colorectal cancer. Also called: Colorectal cancer, somatic; Malignant Colorectal Neoplasm. Identifiers: MedGen C0346629, MONDO:0005575, OMIM 114500.
Rubinstein-Taybi syndrome due to EP300 haploinsufficiency. Also called: EP300-Related Rubinstein-Taybi Syndrome; RUBINSTEIN-TAYBI SYNDROME 2. Identifiers: Orphanet 353284, Orphanet 783, MedGen C3150941, MONDO:0013364, OMIM 613684.

Submissions (2):

Labcorp Genetics (formerly Invitae), Labcorp
Classification: Pathogenic for Rubinstein-Taybi syndrome 2; Colorectal cancer. Last evaluated: 2018-11-08. Review status: criteria provided, single submitter. Criteria: Invitae Variant Classification Sherloc (09022015). Collection method: clinical testing. Allele origin: germline.
Comment: This variant is an out-of-frame deletion of the genomic region encompassing exons 17 to 22 of the EP300 gene. This is expected to create a premature translational stop signal and result in an absent or disrupted protein product. This variant has not been reported in the literature in individuals with EP300-related disease. Loss-of-function variants in EP300 are known to be pathogenic (PMID: 15706485, 24476420). For these reasons, this variant has been classified as Pathogenic.

Labcorp Genetics (formerly Invitae), Labcorp
Classification: Pathogenic for Rubinstein-Taybi syndrome due to EP300 haploinsufficiency. Last evaluated: 2018-11-01. Review status: criteria provided, single submitter. Criteria: Invitae Variant Classification Sherloc (09022015). Collection method: clinical testing. Allele origin: germline.
Comment: For these reasons, this variant has been classified as Pathogenic. Loss-of-function variants in EP300 are known to be pathogenic (PMID: 15706485, 24476420). This variant has not been reported in the literature in individuals with EP300-related disease. This variant is an out-of-frame deletion of the genomic region encompassing exons 17 to 22 of the EP300 gene. This is expected to create a premature translational stop signal and result in an absent or disrupted protein product.

Literature cited by the submitters: PubMed 15706485; PubMed 24476420.